The following is an entry in ClinVar:

ClinVar aggregate classification (germline): Benign/Likely benign. Review status: criteria provided, multiple submitters, no conflicts (2 of 4 stars). 3 submissions from 3 submitters: Benign (1); Likely benign (2). Last evaluated 2025-02-07.

Conditions:
Hereditary cancer-predisposing syndrome. Also called: Neoplastic Syndromes, Hereditary; Hereditary Cancer Syndrome; Hereditary neoplastic syndrome; Tumor predisposition. Identifiers: Orphanet 140162, MedGen C0027672, MeSH D009386, MONDO:0015356.
Colorectal cancer, susceptibility to, 12 (CRCS12). Also called: COLORECTAL CANCER, SUSCEPTIBILITY TO, ON CHROMOSOME 12q24. Identifiers: Orphanet 220460, MedGen C3554460, MONDO:0014038, OMIM 615083.

Submissions (3):

Myriad Genetics, Inc.
Classification: Benign for Colorectal cancer, susceptibility to, 12. Last evaluated: 2025-02-07. Review status: criteria provided, single submitter. Criteria: Myriad Autosomal Dominant, Autosomal Recessive and X-Linked Classification Criteria (2023). Collection method: clinical testing. Allele origin: unknown.
Comment: This variant is considered benign. This variant is a silent/synonymous amino acid change and it is not expected to impact splicing.

Labcorp Genetics (formerly Invitae), Labcorp
Classification: Likely benign. Last evaluated: 2023-07-10. Review status: criteria provided, single submitter. Criteria: Invitae Variant Classification Sherloc (09022015). Collection method: clinical testing. Allele origin: germline.

Ambry Genetics
Classification: Likely benign for Hereditary cancer-predisposing syndrome. Last evaluated: 2021-03-30. Review status: criteria provided, single submitter. Criteria: Ambry Variant Classification Scheme 2023. Collection method: clinical testing. Allele origin: germline.

NM_006231.4(POLE):c.843G>T (p.Leu281=)

Gene: POLE (DNA polymerase epsilon, catalytic subunit; minus strand). Cytogenetic location: 12q24.33.
Variant type: single nucleotide variant.
Coding change: c.843G>T on transcript NM_006231.4 (MANE Select); coding-DNA position 843, G replaced by T.
Protein change: p.Leu281=; no amino-acid change (leucine 281 retained).
Molecular consequence: synonymous variant.
Genome position (GRCh38, 1-based): chr12:132,676,612, C>A on the plus strand (G>T on the coding strand, the complement: POLE is on the minus strand). VCF-style: chr12-132676612-C-A. GRCh37 (hg19) VCF-style: chr12-133253198-C-A.
Identifiers: ClinVar variation 1117931 (VCV001117931.12), dbSNP rs2136016051, ClinGen allele CA482723605.